The following is an entry in ClinVar:

NM_006035.4(CDC42BPB):c.2053A>G (p.Lys685Glu)

Gene: CDC42BPB (CDC42 binding protein kinase beta; minus strand). Cytogenetic location: 14q32.32.
Variant type: single nucleotide variant.
Coding change: c.2053A>G on transcript NM_006035.4 (MANE Select); coding-DNA position 2053, A replaced by G.
Protein change: p.Lys685Glu; replaces lysine 685 with glutamic acid.
Molecular consequence: missense variant.
Genome position (GRCh38, 1-based): chr14:102,968,659, T>C on the plus strand (A>G on the coding strand, the complement: CDC42BPB is on the minus strand). VCF-style: chr14-102968659-T-C. GRCh37 (hg19) VCF-style: chr14-103434996-T-C.
Other names: c.2053A>G, p.Lys685Glu (NM_001411054.1); short protein forms K685E.
Identifiers: ClinVar variation 5017249 (VCV005017249.1).

ClinVar aggregate classification (germline): Uncertain significance (1 of 4 stars; one submission).

Submission:

GeneDx
Classification: Uncertain significance. Last evaluated: 2026-03-26. Review status: criteria provided, single submitter. Criteria: GeneDx Variant Classification Process June 2021. Collection method: clinical testing. Allele origin: germline.
Comment: Not observed at significant frequency in large population cohorts (gnomAD); In silico analysis suggests that this missense variant does not alter protein structure/function; Has not been previously published as pathogenic or benign to our knowledge